The following is an entry in ClinVar:

NM_005045.4(RELN):c.124C>T (p.His42Tyr)

Gene: RELN (reelin; minus strand). Cytogenetic location: 7q22.1.
Variant type: single nucleotide variant.
Coding change: c.124C>T on transcript NM_005045.4 (MANE Select); coding-DNA position 124, C replaced by T.
Protein change: p.His42Tyr; replaces histidine 42 with tyrosine.
Molecular consequence: missense variant.
Genome position (GRCh38, 1-based): chr7:103,989,233, G>A on the plus strand (C>T on the coding strand, the complement: RELN is on the minus strand). VCF-style: chr7-103989233-G-A. GRCh37 (hg19) VCF-style: chr7-103629680-G-A.
Other names: c.124C>T, p.His42Tyr (NM_173054.3); short protein forms H42Y.
Identifiers: ClinVar variation 2929251 (VCV002929251.3), dbSNP rs1376719484, ClinGen allele CA368931424.
Genomic context (GRCh38, chr7:103,989,233, plus strand): 5'-CAATATGCAGGGAAATGAGCACCTCGCCCTGCTCCCCATCCCCTTCCAGCTCCCCGTGGT[G>A]GGTGCACAGGAAAAAGAAGGGCGAAAAGCGGGGGTAATAGCCAGCCGCCGCGCGCGCCCT-3'
Protein context (NP_005036.2, residues 32-52): RFSPFFFLCT[His42Tyr]HGELEGDGEQ

ClinVar aggregate classification (germline): Uncertain significance (1 of 4 stars; one submission).

Conditions:
Familial temporal lobe epilepsy 7. Identifiers: Orphanet 101046, MedGen C4225327, MONDO:0014639, OMIM 616436.
Norman-Roberts syndrome (LIS2). Also called: Lissencephaly 2 (Norman-Roberts type). Identifiers: Orphanet 89844, MedGen C0796089, MONDO:0009760, OMIM 257320.

Allele frequency attached by ClinVar (database versions not stated): TOPMed below 0.00001; gnomAD 0.00002.
gnomAD v4.1: 6 of 1,613,954 alleles (0.00037%); highest among the groups gnomAD compares: African/African-American, 0.008%; no homozygotes.

Submission:

Labcorp Genetics (formerly Invitae), Labcorp
Classification: Uncertain significance for Familial temporal lobe epilepsy 7; Norman-Roberts syndrome. Last evaluated: 2025-11-25. Review status: criteria provided, single submitter. Criteria: Invitae Variant Classification Sherloc (09022015). Collection method: clinical testing. Allele origin: germline.
Comment: This sequence change replaces histidine, which is basic and polar, with tyrosine, which is neutral and polar, at codon 42 of the RELN protein (p.His42Tyr). The frequency data for this variant in the population databases is considered unreliable, as metrics indicate poor data quality at this position in the gnomAD database. This variant has not been reported in the literature in individuals affected with RELN-related conditions. ClinVar contains an entry for this variant (Variation ID: 2929251). Invitae Evidence Modeling of protein sequence and biophysical properties (such as structural, functional, and spatial information, amino acid conservation, physicochemical variation, residue mobility, and thermodynamic stability) indicates that this missense variant is not expected to disrupt RELN protein function with a negative predictive value of 80%. In summary, the available evidence is currently insufficient to determine the role of this variant in disease. Therefore, it has been classified as a Variant of Uncertain Significance.